The following is an entry in ClinVar:

NM_000525.4(KCNJ11):c.412G>T (p.Val138Leu)

Gene: KCNJ11 (potassium inwardly rectifying channel subfamily J member 11; minus strand). Cytogenetic location: 11p15.1.
Variant type: single nucleotide variant.
Coding change: c.412G>T on transcript NM_000525.4 (MANE Select); coding-DNA position 412, G replaced by T.
Protein change: p.Val138Leu; replaces valine 138 with leucine.
Molecular consequence: missense variant.
Genome position (GRCh38, 1-based): chr11:17,387,680, C>A on the plus strand (G>T on the coding strand, the complement: KCNJ11 is on the minus strand). VCF-style: chr11-17387680-C-A. GRCh37 (hg19) VCF-style: chr11-17409227-C-A.
Other names: c.151G>T, p.Val51Leu (NM_001166290.2, NM_001377296.1, NM_001377297.1); short protein forms V138L, V51L.
Identifiers: ClinVar variation 1303676 (VCV001303676.2), dbSNP rs1267732986, ClinGen allele CA379773951.

ClinVar aggregate classification (germline): Uncertain significance (1 of 4 stars; one submission).

Submission:

GeneDx
Classification: Uncertain significance. Last evaluated: 2019-10-11. Review status: criteria provided, single submitter. Criteria: GeneDx Variant Classification Process June 2021. Collection method: clinical testing. Allele origin: germline. Affected: yes.
Comment: Not observed in large population cohorts (Lek et al., 2016); In silico analysis, which includes protein predictors and evolutionary conservation, supports that this variant does not alter protein structure/function; Has not been previously published as pathogenic or benign to our knowledge